The following is an entry in ClinVar:

ClinVar aggregate classification (germline): Benign/Likely benign. Review status: criteria provided, multiple submitters, no conflicts (2 of 4 stars). 5 submissions from 4 submitters: Benign (3); Likely benign (1). 1 of the submissions does not count toward it. Last evaluated 2025-12-26.

Conditions:
Diffuse nonepidermolytic palmoplantar keratoderma (NEPPK). Also called: Nonepidermolytic palmoplantar keratoderma; Nonepidermolytic palmoplantar hyperkeratosis. Identifiers: Orphanet 530838, MedGen C1833030, MONDO:0010962, OMIM 600962, HP:0007404.
Epidermolytic ichthyosis. Also called: KRT10-Related Epidermolytic Hyperkeratosis; Bullous ichthyosiform erythroderma; Epidermolytic Hyperkeratosis; Congenital bullous ichthyosiform erythroderma. Identifiers: Orphanet 312, MedGen C0079153, MONDO:0007239, HP:0007475.
KRT1-related disorder. Also called: KRT1-related condition.

Allele frequency attached by ClinVar (database versions not stated): TOPMed 0.00048; gnomAD exomes 0.00054; 1000 Genomes Project 30x 0.00062; ExAC 0.00063; ESP Exome Variant Server 0.00092; 1000 Genomes Project 0.00040; gnomAD 0.00041 and 0.00046.
gnomAD v4.1: 1,134 of 1,614,170 alleles (0.07%); highest among the groups gnomAD compares: South Asian, 0.12%; 1 homozygote.

Submissions (5):

Labcorp Genetics (formerly Invitae), Labcorp
Classification: Likely benign. Last evaluated: 2025-12-26. Review status: criteria provided, single submitter. Criteria: Invitae Variant Classification Sherloc (09022015). Collection method: clinical testing. Allele origin: germline.

Illumina Laboratory Services, Illumina
Classification: Benign for Epidermolytic hyperkeratosis 1. Last evaluated: 2018-03-06. Review status: criteria provided, single submitter. Criteria: ICSL Variant Classification Criteria 13 December 2019. Collection method: clinical testing. Allele origin: germline.
Comment: This variant was observed in the ICSL laboratory as part of a predisposition screen in an ostensibly healthy population. It had not been previously curated by ICSL or reported in the Human Gene Mutation Database (HGMD: prior to June 1st, 2018), and was therefore a candidate for classification through an automated scoring system. Utilizing variant allele frequency, disease prevalence and penetrance estimates, and inheritance mode, an automated score was calculated to assess if this variant is too frequent to cause the disease. Based on the score and internal cut-off values, a variant classified as benign is not then subjected to further curation. The score for this variant resulted in a classification of benign for this disease.

Illumina Laboratory Services, Illumina
Classification: Benign for Diffuse nonepidermolytic palmoplantar keratoderma. Last evaluated: 2018-03-06. Review status: criteria provided, single submitter. Criteria: ICSL Variant Classification Criteria 13 December 2019. Collection method: clinical testing. Allele origin: germline.
Comment: the same text as in the submission from Illumina Laboratory Services, Illumina above.

Breakthrough Genomics
Classification: Benign. Review status: criteria provided, single submitter. Criteria: ACMG Guidelines, 2015. Collection method: not provided. Allele origin: germline. Inheritance: Autosomal dominant inheritance. Affected: yes.

PreventionGenetics, part of Exact Sciences
Classification: Likely benign for KRT1-related condition. Last evaluated: 2024-04-13. Review status: no assertion criteria provided. Collection method: clinical testing. Allele origin: germline. Not counted in ClinVar's aggregate classification.
Comment: This variant is classified as likely benign based on ACMG/AMP sequence variant interpretation guidelines (Richards et al. 2015 PMID: 25741868, with internal and published modifications).

NM_006121.4(KRT1):c.1294C>T (p.Arg432Cys)

Gene: KRT1 (keratin 1; minus strand). Cytogenetic location: 12q13.13.
Variant type: single nucleotide variant.
Coding change: c.1294C>T on transcript NM_006121.4 (MANE Select); coding-DNA position 1294, C replaced by T.
Protein change: p.Arg432Cys; replaces arginine 432 with cysteine.
Molecular consequence: missense variant.
Genome position (GRCh38, 1-based): chr12:52,676,456, G>A on the plus strand (C>T on the coding strand, the complement: KRT1 is on the minus strand). VCF-style: chr12-52676456-G-A. GRCh37 (hg19) VCF-style: chr12-53070240-G-A.
Other names: short protein forms R432C.
Identifiers: ClinVar variation 883453 (VCV000883453.9), dbSNP rs142781300, ClinGen allele CA6586202.
Genomic context (GRCh38, chr12:52,676,456, plus strand): 5'-GCAGGGCATCCTCCAGGTCATTCAGCTTGTTCTTGGCATCCTTGAGGGCATTCTCGCCAC[G>A]CTGCTCTGCATCACTGATGGACTGCTGCAAGTTGGAGATCTGAAAAAGAATATGACACCC-3'
Protein context (NP_006112.3, residues 422-442): LQQSISDAEQ[Arg432Cys]GENALKDAKN